The following is an entry in ClinVar:

ClinVar aggregate classification (germline): Uncertain significance. Review status: criteria provided, multiple submitters, no conflicts (2 of 4 stars). 7 submissions from 7 submitters: Uncertain significance (7). Last evaluated 2026-03-09.

Conditions:
Giant axonal neuropathy 1 (GAN1). Also called: GIANT AXONAL NEUROPATHY 1, AUTOSOMAL RECESSIVE; GAN-Related Neurodegeneration. Identifiers: Orphanet 643, MedGen C1850386, MONDO:0009749, OMIM 256850.
Inborn genetic diseases. Identifiers: MedGen C0950123, MeSH D030342.

Allele frequency attached by ClinVar (database versions not stated): gnomAD exomes 0.00006 and 0.00008; ESP Exome Variant Server 0.00031; ExAC 0.00010; TOPMed 0.00008; gnomAD 0.00009 and 0.00010.
gnomAD v4.1: 96 of 1,598,418 alleles (0.006%); highest among the groups gnomAD compares: Non-Finnish European, 0.0076%; no homozygotes.

Submissions (7):

GeneDx
Classification: Uncertain significance. Last evaluated: 2026-03-09. Review status: criteria provided, single submitter. Criteria: GeneDx Variant Classification Process June 2021. Collection method: clinical testing. Allele origin: germline.
Comment: Missense variants in this gene are a common cause of disease and they are underrepresented in the general population; In silico analysis suggests that this missense variant does not alter protein structure/function; Has not been previously published as pathogenic or benign to our knowledge; This variant is associated with the following publications: (PMID: 27023907)

Ambry Genetics
Classification: Uncertain significance for Inborn genetic diseases. Last evaluated: 2025-08-11. Review status: criteria provided, single submitter. Criteria: Ambry Variant Classification Scheme 2023. Collection method: clinical testing. Allele origin: germline.

Dasa
Classification: Uncertain significance for Giant axonal neuropathy 1. Last evaluated: 2025-03-07. Review status: criteria provided, single submitter. Criteria: DASA Assertion Criteria. Collection method: clinical testing. Allele origin: germline.
Comment: NM_022041.4(GAN):c.1511A>G (p.Tyr504Cys) is a missense variant that results in the substitution of tyrosine with cysteine. This variant has been observed in affected individuals with GAN-related disorders. Also, this variant is rare in population databases. Computational prediction algorithms are consistent with a benign effect. The currently available literature and clinical evidence are not sufficient to establish a definitive association between this variant and the reported condition. Therefore, this variant is classified as a variant of uncertain significance.

Mayo Clinic Laboratories, Mayo Clinic
Classification: Uncertain significance. Last evaluated: 2024-06-19. Review status: criteria provided, single submitter. Criteria: ACMG Guidelines, 2015. Collection method: clinical testing. Allele origin: germline. Observed: 1 variant allele.
Comment: BP4, PM2

ARUP Laboratories, Molecular Genetics and Genomics, ARUP Laboratories
Classification: Uncertain significance for Giant axonal neuropathy 1. Last evaluated: 2024-04-03. Review status: criteria provided, single submitter. Criteria: ARUP Molecular Germline Variant Investigation Process 2024. Collection method: clinical testing. Allele origin: germline.
Comment: The GAN c.1511A>G; p.Tyr504Cys variant (rs147864771), to our knowledge, is not reported in the medical literature but is reported in ClinVar (Variation ID: 533926). This variant is found in the non-Finnish European population with an allele frequency of 0.02% (23/129,184 alleles) in the Genome Aggregation Database (v2.1.1). Computational analyses are uncertain whether this variant is neutral or deleterious (REVEL: 0.228). Due to limited information, the clinical significance of this variant is uncertain at this time.

Labcorp Genetics (formerly Invitae), Labcorp
Classification: Uncertain significance for Giant axonal neuropathy 1. Last evaluated: 2022-08-31. Review status: criteria provided, single submitter. Criteria: Invitae Variant Classification Sherloc (09022015). Collection method: clinical testing. Allele origin: germline.
Comment: This sequence change replaces tyrosine, which is neutral and polar, with cysteine, which is neutral and slightly polar, at codon 504 of the GAN protein (p.Tyr504Cys). This variant is present in population databases (rs147864771, gnomAD 0.02%). This variant has not been reported in the literature in individuals affected with GAN-related conditions. ClinVar contains an entry for this variant (Variation ID: 533926). Algorithms developed to predict the effect of missense changes on protein structure and function (SIFT, PolyPhen-2, Align-GVGD) all suggest that this variant is likely to be tolerated. In summary, the available evidence is currently insufficient to determine the role of this variant in disease. Therefore, it has been classified as a Variant of Uncertain Significance.

Illumina Laboratory Services, Illumina
Classification: Uncertain significance for Giant axonal neuropathy 1. Last evaluated: 2018-01-13. Review status: criteria provided, single submitter. Criteria: ICSL Variant Classification Criteria 13 December 2019. Collection method: clinical testing. Allele origin: germline.

NM_022041.4(GAN):c.1511A>G (p.Tyr504Cys)

Gene: GAN (gigaxonin; plus strand). Cytogenetic location: 16q23.2.
Variant type: single nucleotide variant.
Coding change: c.1511A>G on transcript NM_022041.4 (MANE Select); coding-DNA position 1511, A replaced by G.
Protein change: p.Tyr504Cys; replaces tyrosine 504 with cysteine.
Molecular consequence: missense variant.
Genome position (GRCh38, 1-based): chr16:81,377,227, A>G. VCF-style: chr16-81377227-A-G. GRCh37 (hg19) VCF-style: chr16-81410832-A-G.
Other names: p.Tyr504Cys; c.872A>G, p.Tyr291Cys (NM_001377486.1); short protein forms Y504C, Y291C.
Identifiers: ClinVar variation 533926 (VCV000533926.20), dbSNP rs147864771, ClinGen allele CA8191805.